The following is an entry in ClinVar:

ClinVar aggregate classification (germline): Uncertain significance. Review status: criteria provided, multiple submitters, no conflicts (2 of 4 stars). 2 submissions from 2 submitters: Uncertain significance (2). Last evaluated 2025-06-18.

Allele frequency attached by ClinVar (database versions not stated): gnomAD 0.00001.

Submissions (2):

Ambry Genetics
Classification: Uncertain significance. Last evaluated: 2025-06-18. Review status: criteria provided, single submitter. Criteria: Ambry Variant Classification Scheme 2023. Collection method: clinical testing. Allele origin: germline.

Labcorp Genetics (formerly Invitae), Labcorp
Classification: Uncertain significance. Last evaluated: 2024-04-15. Review status: criteria provided, single submitter. Criteria: Invitae Variant Classification Sherloc (09022015). Collection method: clinical testing. Allele origin: germline.
Comment: This sequence change replaces proline, which is neutral and non-polar, with arginine, which is basic and polar, at codon 974 of the TNK2 protein (p.Pro974Arg). This variant is present in population databases (no rsID available, gnomAD 0.007%). This variant has not been reported in the literature in individuals affected with TNK2-related conditions. ClinVar contains an entry for this variant (Variation ID: 1903289). An algorithm developed to predict the effect of missense changes on protein structure and function (PolyPhen-2) suggests that this variant is likely to be disruptive. In summary, the available evidence is currently insufficient to determine the role of this variant in disease. Therefore, it has been classified as a Variant of Uncertain Significance.

NM_001382273.1(TNK2):c.2732C>G (p.Pro911Arg)

Gene: TNK2 (tyrosine kinase non receptor 2; minus strand). Cytogenetic location: 3q29.
Variant type: single nucleotide variant.
Coding change: c.2732C>G on transcript NM_001382273.1 (MANE Select); coding-DNA position 2732, C replaced by G.
Protein change: p.Pro911Arg; replaces proline 911 with arginine.
Molecular consequence: missense variant. On other transcripts: non-coding transcript variant (15).
Genome position (GRCh38, 1-based): chr3:195,867,566, G>C on the plus strand (C>G on the coding strand, the complement: TNK2 is on the minus strand). VCF-style: chr3-195867566-G-C. GRCh37 (hg19) VCF-style: chr3-195594437-G-C.
Other names: c.2921C>G (NM_001010938.1); c.2804C>G, p.Pro935Arg (NM_001010938.2, NM_001382272.1); c.2783C>G, p.Pro928Arg (NM_001308046.2, NM_001382271.1); c.2732C>G, p.Pro911Arg (NM_001382274.1, NM_001387716.1, NM_001387717.1 and 1 more transcripts); c.2828C>G, p.Pro943Arg (NM_001382275.1, NM_001387707.1); c.2687C>G, p.Pro896Arg (NM_001386164.1, NM_001387709.1, NM_001387710.1 and 8 more transcripts); c.2759C>G, p.Pro920Arg (NM_001387708.1, NM_001387715.1); short protein forms P911R, P928R, P920R, P935R, P943R, P896R.
Identifiers: ClinVar variation 1903289 (VCV001903289.6), dbSNP rs1335889456, ClinGen allele CA355563833.